The following is an entry in ClinVar:

ClinVar aggregate classification (germline): Uncertain significance (1 of 4 stars; one submission).

Conditions:
Cardiovascular phenotype. Identifiers: MedGen CN230736.

Allele frequency attached by ClinVar (database versions not stated): gnomAD exomes below 0.00001.
gnomAD v4.1: 3 of 1,550,186 alleles (0.00019%); highest among the groups gnomAD compares: Non-Finnish European, 0.00017%; no homozygotes.

Submission:

Ambry Genetics
Classification: Uncertain significance for Cardiovascular phenotype. Last evaluated: 2022-06-12. Review status: criteria provided, single submitter. Criteria: Ambry Variant Classification Scheme 2023. Collection method: clinical testing. Allele origin: germline.
Comment: The p.S3593P variant (also known as c.10777T>C), located in coding exon 2 of the ZNF469 gene, results from a T to C substitution at nucleotide position 10777. The serine at codon 3593 is replaced by proline, an amino acid with similar properties. This amino acid position is conserved. In addition, this alteration is predicted to be tolerated by in silico analysis. Since supporting evidence is limited at this time, the clinical significance of this alteration remains unclear.

NM_001367624.2(ZNF469):c.10861T>C (p.Ser3621Pro)

Gene: ZNF469 (zinc finger protein 469; plus strand). Cytogenetic location: 16q24.2.
Variant type: single nucleotide variant.
Coding change: c.10861T>C on transcript NM_001367624.2 (MANE Select); coding-DNA position 10861, T replaced by C.
Protein change: p.Ser3621Pro; replaces serine 3621 with proline.
Molecular consequence: missense variant.
Genome position (GRCh38, 1-based): chr16:88,438,331, T>C. VCF-style: chr16-88438331-T-C. GRCh37 (hg19) VCF-style: chr16-88504739-T-C.
Other names: NM_001127464.1:c.10777T>C; short protein forms S3621P.
Identifiers: ClinVar variation 1785068 (VCV001785068.2), dbSNP rs1233171213, ClinGen allele CA397128233.
Genomic context (GRCh38, chr16:88,438,331, plus strand): 5'-CTGCCGCGGCCGGGAGCCAGAGGCCAAGATGCGGAGGGAAAGAGGGCTCCTCTCGTGTTC[T>C]CAGGGAAACGCAGGGCCCCGGGTGCCCGTGGCAGGTGTGCCCCTGACCATTTCCAGGAAG-3'
Protein context (NP_001354553.1, residues 3611-3631): AEGKRAPLVF[Ser3621Pro]GKRRAPGARG